The following is an entry in ClinVar:

ClinVar aggregate classification (germline): Likely pathogenic (1 of 4 stars; one submission).

Submission:

GeneDx
Classification: Likely pathogenic. Last evaluated: 2025-08-12. Review status: criteria provided, single submitter. Criteria: GeneDx Variant Classification Process June 2021. Collection method: clinical testing. Allele origin: germline. Affected: yes.
Comment: In silico analysis supports that this missense variant has a deleterious effect on protein structure/function; Not observed at significant frequency in large population cohorts (gnomAD); This variant is associated with the following publications: (PMID: 28780519, 26141714)

NM_000216.4(ANOS1):c.257G>T (p.Cys86Phe)

Gene: ANOS1 (anosmin 1; minus strand). Cytogenetic location: Xp22.31.
Variant type: single nucleotide variant.
Coding change: c.257G>T on transcript NM_000216.4 (MANE Select); coding-DNA position 257, G replaced by T.
Protein change: p.Cys86Phe; replaces cysteine 86 with phenylalanine.
Molecular consequence: missense variant.
Genome position (GRCh38, 1-based): chrX:8,623,669, C>A on the plus strand (G>T on the coding strand, the complement: ANOS1 is on the minus strand). VCF-style: chrX-8623669-C-A. GRCh37 (hg19) VCF-style: chrX-8591710-C-A.
Other names: c.257G>T, p.Cys86Phe (NM_001440775.1); short protein forms C86F.
Identifiers: ClinVar variation 4795371 (VCV004795371.1).